The following is an entry in ClinVar:

NM_020365.5(EIF2B3):c.463C>T (p.Arg155Cys)

Gene: EIF2B3 (eukaryotic translation initiation factor 2B subunit gamma; minus strand). Cytogenetic location: 1p34.1.
Variant type: single nucleotide variant.
Coding change: c.463C>T on transcript NM_020365.5 (MANE Select); coding-DNA position 463, C replaced by T.
Protein change: p.Arg155Cys; replaces arginine 155 with cysteine.
Molecular consequence: missense variant.
Genome position (GRCh38, 1-based): chr1:44,926,731, G>A on the plus strand (C>T on the coding strand, the complement: EIF2B3 is on the minus strand). VCF-style: chr1-44926731-G-A. GRCh37 (hg19) VCF-style: chr1-45392403-G-A.
Other names: c.463C>T, p.Arg155Cys (NM_001166588.3, NM_001261418.2); c.463C>T (NM_020365.3); short protein forms R155C.
Identifiers: ClinVar variation 2173450 (VCV002173450.2), dbSNP rs564587689, ClinGen allele CA824001.

ClinVar aggregate classification (germline): Uncertain significance. Review status: criteria provided, multiple submitters, no conflicts (2 of 4 stars). 2 submissions from 2 submitters: Uncertain significance (2). Last evaluated 2025-04-10.

Conditions:
Inborn genetic diseases. Identifiers: MedGen C0950123, MeSH D030342.

Allele frequency attached by ClinVar (database versions not stated): gnomAD 0.00002; 1000 Genomes Project 30x 0.00016; ExAC 0.00001; gnomAD exomes 0.00002; TOPMed 0.00002; 1000 Genomes Project 0.00020.
gnomAD v4.1: 34 of 1,613,166 alleles (0.0021%); highest among the groups gnomAD compares: South Asian, 0.018%; no homozygotes.

Submissions (2):

Ambry Genetics
Classification: Uncertain significance for Inborn genetic diseases. Last evaluated: 2025-04-10. Review status: criteria provided, single submitter. Criteria: Ambry Variant Classification Scheme 2023. Collection method: clinical testing. Allele origin: germline.

Labcorp Genetics (formerly Invitae), Labcorp
Classification: Uncertain significance. Last evaluated: 2021-12-30. Review status: criteria provided, single submitter. Criteria: Invitae Variant Classification Sherloc (09022015). Collection method: clinical testing. Allele origin: germline.
Comment: This sequence change replaces arginine, which is basic and polar, with cysteine, which is neutral and slightly polar, at codon 155 of the EIF2B3 protein (p.Arg155Cys). This variant is present in population databases (rs564587689, gnomAD 0.003%). This variant has not been reported in the literature in individuals affected with EIF2B3-related conditions. Algorithms developed to predict the effect of missense changes on protein structure and function (SIFT, PolyPhen-2, Align-GVGD) all suggest that this variant is likely to be tolerated. In summary, the available evidence is currently insufficient to determine the role of this variant in disease. Therefore, it has been classified as a Variant of Uncertain Significance.